The following is an entry in ClinVar:

NM_004333.6(BRAF):c.2296_2298del (p.His766del)

Gene: BRAF (B-Raf proto-oncogene, serine/threonine kinase; minus strand). Cytogenetic location: 7q34.
Variant type: Deletion.
Coding change: c.2296_2298del on transcript NM_004333.6 (MANE Select); coding-DNA positions 2296 to 2298, 3 bases deleted (CAC; older notation c.2296_2298delCAC).
Protein change: p.His766del; deletes histidine 766.
Molecular consequence: inframe deletion. On other transcripts: intron variant (9).
Genome position (GRCh38, 1-based): chr7:140,734,600-140,734,602, GTG deleted on the plus strand (CAC on the coding strand, the reverse complement: BRAF is on the minus strand); deleting any 3 consecutive bases within chr7:140,734,600-140,734,603 gives the same sequence; the c. name uses the placement nearest the transcript's 3' end. VCF-style (leftmost placement, unchanged base first): chr7-140734599-AGTG-A. GRCh37 (hg19) VCF-style: chr7-140434399-AGTG-A.
Other names: c.2416_2418del, p.His806del (NM_001374244.1); c.2230_2232del, p.His744del (NM_001378469.1); c.2140_2142del, p.His714del (NM_001378473.1); c.2127+5210_2127+5212del (NM_001378474.1, NM_001378468.1); c.2179+15_2179+17del (NM_001378470.1); c.2017+15_2017+17del (NM_001378475.1); c.2170+15_2170+17del (NM_001378471.1); c.2281+15_2281+17del (NM_001354609.2); and 3 more; short protein forms H766del, H806del, H744del, H714del.
Identifiers: ClinVar variation 2030435 (VCV002030435.4), dbSNP rs2535893546, ClinGen allele CA2580077534.
Genomic context (GRCh38, chr7:140,734,599, plus strand): 5'-ATATGTTCATTTATTTTCCTTTTGTTGCTACTCTCCTGAACTCTCTCACTCATTTGTTTC[AGTG>A]GACAGGAAACGCACCATATCCCCCTGCCTGGATGGGTGTTTTTGGAGAAGCACAAGCATA-3'

ClinVar aggregate classification (germline): Uncertain significance (1 of 4 stars; one submission).

Conditions:
RASopathy. Also called: rasopathies; Noonan spectrum disorder. Identifiers: Orphanet 536391, MedGen C5555857, MONDO:0021060.

Submission:

Labcorp Genetics (formerly Invitae), Labcorp
Classification: Uncertain significance for RASopathy. Last evaluated: 2022-09-14. Review status: criteria provided, single submitter. Criteria: Invitae Variant Classification Sherloc (09022015). Collection method: clinical testing. Allele origin: germline.
Comment: In summary, the available evidence is currently insufficient to determine the role of this variant in disease. Therefore, it has been classified as a Variant of Uncertain Significance. This variant has not been reported in the literature in individuals affected with BRAF-related conditions. This variant is not present in population databases (gnomAD no frequency). This sequence change creates a premature translational stop signal (p.His766*) in the BRAF gene. While this is not anticipated to result in nonsense mediated decay, it is expected to disrupt the last 1 amino acid(s) of the BRAF protein.